The following is an entry in ClinVar:

NM_182943.3(PLOD2):c.679+260T>C

Gene: PLOD2 (procollagen-lysine,2-oxoglutarate 5-dioxygenase 2; minus strand). Cytogenetic location: 3q24.
Variant type: single nucleotide variant.
Coding change: c.679+260T>C on transcript NM_182943.3 (MANE Select); 260 bases into the intron after coding-DNA position 679, T replaced by C.
Molecular consequence: intron variant.
Genome position (GRCh38, 1-based): chr3:146,104,019, A>G on the plus strand (T>C on the coding strand, the complement: PLOD2 is on the minus strand). VCF-style: chr3-146104019-A-G. GRCh37 (hg19) VCF-style: chr3-145821806-A-G.
Other names: c.679+260T>C (NM_000935.3).
Identifiers: ClinVar variation 684289 (VCV000684289.1), dbSNP rs6781300, ClinGen allele CA11601991.
Genomic context (GRCh38, chr3:146,104,019, plus strand): 5'-AAGAATTTCACTAGAAAATGTGTAATAATAAAGTGTAATTAATTTATAAACTTATCTAAA[A>G]TTCCCAAATGGTGAGACACTAAATTTTAAGTTACCTAAAGCCAGAAGCTTATCTTTTTCA-3'

ClinVar aggregate classification (germline): Benign (1 of 4 stars; one submission).

Allele frequency attached by ClinVar (database versions not stated): TOPMed 0.78330; 1000 Genomes Project 30x 0.78826; 1000 Genomes Project 0.78255.

Submission:

GeneDx
Classification: Benign. Last evaluated: 2018-06-19. Review status: criteria provided, single submitter. Criteria: GeneDx Variant Classification (06012015). Collection method: clinical testing. Allele origin: germline. Affected: yes.
Comment: This variant is considered likely benign or benign based on one or more of the following criteria: it is a conservative change, it occurs at a poorly conserved position in the protein, it is predicted to be benign by multiple in silico algorithms, and/or has population frequency not consistent with disease.